The following is an entry in ClinVar:

ClinVar aggregate classification (germline): Conflicting classifications of pathogenicity. Review status: criteria provided, conflicting classifications (1 of 4 stars). 2 submissions from 2 submitters: Uncertain significance (1); Likely benign (1). Last evaluated 2025-08-21.

Conditions:
Charcot-Marie-Tooth disease type 2. Also called: Charcot-Marie-Tooth type 2. Identifiers: Orphanet 64746, MedGen C0270914, MONDO:0018993.

Allele frequency attached by ClinVar (database versions not stated): gnomAD exomes below 0.00001; ExAC 0.00001.
gnomAD v4.1: 3 of 1,614,190 alleles (0.00019%); highest among the groups gnomAD compares: Non-Finnish European, 0.00025%; no homozygotes.

Submissions (2):

Ambry Genetics
Classification: Likely benign. Last evaluated: 2025-08-21. Review status: criteria provided, single submitter. Criteria: Ambry Variant Classification Scheme 2023. Collection method: clinical testing. Allele origin: germline.

Labcorp Genetics (formerly Invitae), Labcorp
Classification: Uncertain significance for Charcot-Marie-Tooth disease type 2. Last evaluated: 2025-01-30. Review status: criteria provided, single submitter. Criteria: Invitae Variant Classification Sherloc (09022015). Collection method: clinical testing. Allele origin: germline.
Comment: This sequence change replaces methionine, which is neutral and non-polar, with threonine, which is neutral and polar, at codon 390 of the KIF1B protein (p.Met390Thr). This variant is present in population databases (rs765001553, gnomAD 0.0009%). This variant has not been reported in the literature in individuals affected with KIF1B-related conditions. ClinVar contains an entry for this variant (Variation ID: 1739020). Invitae Evidence Modeling of protein sequence and biophysical properties (such as structural, functional, and spatial information, amino acid conservation, physicochemical variation, residue mobility, and thermodynamic stability) indicates that this missense variant is not expected to disrupt KIF1B protein function with a negative predictive value of 80%. In summary, the available evidence is currently insufficient to determine the role of this variant in disease. Therefore, it has been classified as a Variant of Uncertain Significance.

NM_001365951.3(KIF1B):c.1307T>C (p.Met436Thr)

Gene: KIF1B (kinesin family member 1B; plus strand). Cytogenetic location: 1p36.22.
Variant type: single nucleotide variant.
Coding change: c.1307T>C on transcript NM_001365951.3 (MANE Select); coding-DNA position 1307, T replaced by C.
Protein change: p.Met436Thr; replaces methionine 436 with threonine.
Molecular consequence: missense variant.
Genome position (GRCh38, 1-based): chr1:10,282,406, T>C. VCF-style: chr1-10282406-T-C. GRCh37 (hg19) VCF-style: chr1-10342464-T-C.
Other names: c.1307T>C, p.Met436Thr (NM_001365952.1); c.1169T>C, p.Met390Thr (NM_001365953.1, NM_015074.3, NM_183416.4); short protein forms M436T, M390T.
Identifiers: ClinVar variation 1739020 (VCV001739020.5), dbSNP rs765001553, ClinGen allele CA580935.
Genomic context (GRCh38, chr1:10,282,406, plus strand): 5'-AGCATAGATACTTGCTAGCCTCTGAGAATCAACGCCCTGGCCATTTTTCCACAGCATCCA[T>C]GGGGTCCCTCACTTCATCCCCATCTTCCTGCTCACTCAGTAGTCAGGTGGGCTTGACGTC-3'
Protein context (NP_001352880.1, residues 426-446): QRPGHFSTAS[Met436Thr]GSLTSSPSSC